The following is an entry in ClinVar:

ClinVar aggregate classification (germline): Conflicting classifications of pathogenicity. Review status: criteria provided, conflicting classifications (1 of 4 stars). 3 submissions from 3 submitters: Uncertain significance (1); Likely benign (1). 1 of the submissions does not count toward it. Last evaluated 2025-09-27.

Conditions:
BAAT-related disorder. Also called: BAAT-related condition.

Allele frequency attached by ClinVar (database versions not stated): ExAC 0.00009; 1000 Genomes Project 0.00020; TOPMed 0.00025; ESP Exome Variant Server 0.00031; 1000 Genomes Project 30x 0.00047.
gnomAD v4.1: 67 of 1,609,714 alleles (0.0042%); highest among the groups gnomAD compares: African/African-American, 0.084%; no homozygotes.

Submissions (3):

Labcorp Genetics (formerly Invitae), Labcorp
Classification: Likely benign. Last evaluated: 2025-09-27. Review status: criteria provided, single submitter. Criteria: Invitae Variant Classification Sherloc (09022015). Collection method: clinical testing. Allele origin: germline.

Eurofins Ntd Llc (ga)
Classification: Uncertain significance. Last evaluated: 2016-07-26. Review status: criteria provided, single submitter. Criteria: EGL Classification Definitions 2015. Collection method: clinical testing. Allele origin: germline. Observed: 1 variant allele, 1 heterozygote.

PreventionGenetics, part of Exact Sciences
Classification: Likely benign for BAAT-related condition. Last evaluated: 2024-04-17. Review status: no assertion criteria provided. Collection method: clinical testing. Allele origin: germline. Not counted in ClinVar's aggregate classification.
Comment: This variant is classified as likely benign based on ACMG/AMP sequence variant interpretation guidelines (Richards et al. 2015 PMID: 25741868, with internal and published modifications).

NM_001701.4(BAAT):c.9G>A (p.Gln3=)

Gene: BAAT (bile acid-CoA:amino acid N-acyltransferase; minus strand). Cytogenetic location: 9q31.1.
Variant type: single nucleotide variant.
Coding change: c.9G>A on transcript NM_001701.4 (MANE Select); coding-DNA position 9, G replaced by A.
Protein change: p.Gln3=; no amino-acid change (glutamine 3 retained).
Molecular consequence: synonymous variant.
Genome position (GRCh38, 1-based): chr9:101,371,396, C>T on the plus strand (G>A on the coding strand, the complement: BAAT is on the minus strand). VCF-style: chr9-101371396-C-T. GRCh37 (hg19) VCF-style: chr9-104133678-C-T.
Other names: c.9G>A (NM_001701.3); c.9G>A, p.Gln3= (NM_001127610.2, NM_001374715.1).
Identifiers: ClinVar variation 289828 (VCV000289828.10), dbSNP rs149369902, ClinGen allele CA5160808.